The following is an entry in ClinVar:

NM_205836.3(FBXO38):c.87T>C (p.Tyr29=)

Gene: FBXO38 (F-box protein 38; plus strand). Cytogenetic location: 5q32.
Variant type: single nucleotide variant.
Coding change: c.87T>C on transcript NM_205836.3 (MANE Select); coding-DNA position 87, T replaced by C.
Protein change: p.Tyr29=; no amino-acid change (tyrosine 29 retained).
Molecular consequence: synonymous variant.
Genome position (GRCh38, 1-based): chr5:148,394,863, T>C. VCF-style: chr5-148394863-T-C. GRCh37 (hg19) VCF-style: chr5-147774426-T-C.
Other names: c.87T>C, p.Tyr29= (NM_001271723.2, NM_030793.5).
Identifiers: ClinVar variation 473962 (VCV000473962.44), dbSNP rs77480566, ClinGen allele CA3496953.

ClinVar aggregate classification (germline): Benign/Likely benign. Review status: criteria provided, multiple submitters, no conflicts (2 of 4 stars). 7 submissions from 7 submitters: Benign (2); Likely benign (3). 2 of the submissions do not count toward it. Last evaluated 2026-09-01.

Conditions:
FBXO38-related disorder. Also called: FBXO38-related condition.
Distal hereditary motor neuropathy type 2. Identifiers: Orphanet 139525, MedGen C3711384, MeSH C580044, MONDO:0015352.

Allele frequency attached by ClinVar (database versions not stated): 1000 Genomes Project 30x 0.00203; ESP Exome Variant Server 0.00215; 1000 Genomes Project 0.00220; TOPMed 0.00230; gnomAD 0.00254 and 0.00255; gnomAD exomes 0.00285 and 0.00394; ExAC 0.00303.
gnomAD v4.1: 6,008 of 1,599,796 alleles (0.38%); highest among the groups gnomAD compares: Non-Finnish European, 0.46%; 16 homozygotes.

Submissions (7):

CeGaT Center for Human Genetics Tuebingen
Classification: Likely benign. Last evaluated: 2026-09-01. Review status: criteria provided, single submitter. Criteria: CeGaT Center For Human Genetics Tuebingen Variant Classification Criteria Version 2. Collection method: clinical testing. Allele origin: germline. Affected: yes. Observed: 6 variant alleles.
Comment: FBXO38: BP4, BP7, BS2

Labcorp Genetics (formerly Invitae), Labcorp
Classification: Benign for Distal hereditary motor neuropathy type 2. Last evaluated: 2026-01-26. Review status: criteria provided, single submitter. Criteria: Invitae Variant Classification Sherloc (09022015). Collection method: clinical testing. Allele origin: germline.

PreventionGenetics, part of Exact Sciences
Classification: Benign for FBXO38-related condition. Last evaluated: 2025-03-24. Review status: criteria provided, single submitter. Criteria: ACMG Guidelines, 2015. Collection method: clinical testing. Allele origin: germline.
Comment: This variant is classified as benign based on ACMG/AMP sequence variant interpretation guidelines (Richards et al. 2015 PMID: 25741868, with internal and published modifications).

Blueprint Genetics
Classification: Likely benign. Last evaluated: 2024-11-15. Review status: criteria provided, single submitter. Criteria: ACMG Guidelines, 2015. Collection method: clinical testing. Allele origin: germline.

GeneDx
Classification: Likely benign. Last evaluated: 2021-06-21. Review status: criteria provided, single submitter. Criteria: GeneDx Variant Classification Process June 2021. Collection method: clinical testing. Allele origin: germline. Affected: yes.

Clinical Genetics DNA and cytogenetics Diagnostics Lab, Erasmus MC, Erasmus Medical Center
Classification: Likely benign. Review status: no assertion criteria provided. Collection method: clinical testing. Allele origin: germline. Affected: yes. Study: VKGL Data-share Consensus. Not counted in ClinVar's aggregate classification.

Clinical Genetics, Academic Medical Center
Classification: Benign. Review status: no assertion criteria provided. Collection method: clinical testing. Allele origin: germline. Affected: yes. Study: VKGL Data-share Consensus. Not counted in ClinVar's aggregate classification.